The following is an entry in ClinVar:

ClinVar aggregate classification (germline): Likely benign (0 of 4 stars; one submission).

Conditions:
PBX1-related disorder. Also called: PBX1-related condition.

gnomAD v4.1: 4 of 1,614,114 alleles (0.00025%); highest among the groups gnomAD compares: Non-Finnish European, 0.00034%; no homozygotes.

Submission:

PreventionGenetics, part of Exact Sciences
Classification: Likely benign for PBX1-related condition. Last evaluated: 2024-03-05. Review status: no assertion criteria provided. Collection method: clinical testing. Allele origin: germline.
Comment: This variant is classified as likely benign based on ACMG/AMP sequence variant interpretation guidelines (Richards et al. 2015 PMID: 25741868, with internal and published modifications).

NM_002585.4(PBX1):c.567C>G (p.Thr189=)

Gene: PBX1 (PBX homeobox 1; plus strand). Cytogenetic location: 1q23.3.
Variant type: single nucleotide variant.
Coding change: c.567C>G on transcript NM_002585.4 (MANE Select); coding-DNA position 567, C replaced by G.
Protein change: p.Thr189=; no amino-acid change (threonine 189 retained).
Molecular consequence: synonymous variant.
Genome position (GRCh38, 1-based): chr1:164,799,755, C>G. VCF-style: chr1-164799755-C-G. GRCh37 (hg19) VCF-style: chr1-164768992-C-G.
Other names: c.567C>G, p.Thr189= (NM_001204961.2, NM_001204963.2, NM_001353131.2); c.318C>G, p.Thr106= (NM_001353130.1).
Identifiers: ClinVar variation 3350227 (VCV003350227.1).